The following is an entry in ClinVar:

NM_006206.6(PDGFRA):c.1777C>G (p.Leu593Val)

Gene: PDGFRA (platelet derived growth factor receptor alpha; plus strand). Cytogenetic location: 4q12.
Variant type: single nucleotide variant.
Coding change: c.1777C>G on transcript NM_006206.6 (MANE Select); coding-DNA position 1777, C replaced by G.
Protein change: p.Leu593Val; replaces leucine 593 with valine.
Molecular consequence: missense variant.
Genome position (GRCh38, 1-based): chr4:54,274,964, C>G. VCF-style: chr4-54274964-C-G. GRCh37 (hg19) VCF-style: chr4-55141131-C-G.
Other names: c.1777C>G, p.Leu593Val (NM_001347827.2, NM_001347829.2); c.1852C>G, p.Leu618Val (NM_001347828.2); c.1816C>G, p.Leu606Val (NM_001347830.2); short protein forms L593V, L606V, L618V.
Identifiers: ClinVar variation 1494427 (VCV001494427.8), dbSNP rs780059483, ClinGen allele CA356893295.

ClinVar aggregate classification (germline): Uncertain significance. Review status: criteria provided, multiple submitters, no conflicts (2 of 4 stars). 2 submissions from 2 submitters: Uncertain significance (2). Last evaluated 2025-10-30.

Conditions:
Hereditary cancer-predisposing syndrome. Also called: Hereditary neoplastic syndrome; Tumor predisposition; Hereditary Cancer Syndrome; Neoplastic Syndromes, Hereditary. Identifiers: Orphanet 140162, MedGen C0027672, MeSH D009386, MONDO:0015356.
Gastrointestinal stromal tumor. Also called: Gastrointestinal stroma tumor; Gastrointestinal stromal tumor, somatic. Identifiers: Orphanet 44890, MedGen C0238198, MeSH D046152, MONDO:0011719, OMIM 606764, HP:0100723.

Submissions (2):

Ambry Genetics
Classification: Uncertain significance for Hereditary cancer-predisposing syndrome. Last evaluated: 2025-10-30. Review status: criteria provided, single submitter. Criteria: Ambry Variant Classification Scheme 2023. Collection method: clinical testing. Allele origin: germline.
Comment: The p.L593V variant (also known as c.1777C>G), located in coding exon 11 of the PDGFRA gene, results from a C to G substitution at nucleotide position 1777. The leucine at codon 593 is replaced by valine, an amino acid with highly similar properties. This amino acid position is conserved. In addition, this alteration is predicted to be deleterious by in silico analysis. Since supporting evidence is limited at this time, the clinical significance of this alteration remains unclear.

Labcorp Genetics (formerly Invitae), Labcorp
Classification: Uncertain significance for Gastrointestinal stromal tumor. Last evaluated: 2022-11-07. Review status: criteria provided, single submitter. Criteria: Invitae Variant Classification Sherloc (09022015). Collection method: clinical testing. Allele origin: germline.
Comment: ClinVar contains an entry for this variant (Variation ID: 1494427). In summary, the available evidence is currently insufficient to determine the role of this variant in disease. Therefore, it has been classified as a Variant of Uncertain Significance. Advanced modeling of protein sequence and biophysical properties (such as structural, functional, and spatial information, amino acid conservation, physicochemical variation, residue mobility, and thermodynamic stability) performed at Invitae indicates that this missense variant is not expected to disrupt PDGFRA protein function. This variant has not been reported in the literature in individuals affected with PDGFRA-related conditions. This variant is not present in population databases (gnomAD no frequency). This sequence change replaces leucine, which is neutral and non-polar, with valine, which is neutral and non-polar, at codon 593 of the PDGFRA protein (p.Leu593Val).